The following is an entry in ClinVar:

NM_001012339.3(DNAJC21):c.1494del (p.Phe498fs)

Gene: DNAJC21 (DnaJ heat shock protein family (Hsp40) member C21; plus strand). Cytogenetic location: 5p13.2.
Variant type: Deletion.
Coding change: c.1494del on transcript NM_001012339.3 (MANE Select); coding-DNA position 1494, one base deleted (T; older notation c.1494delT).
Protein change: p.Phe498fs; shifts the reading frame from phenylalanine 498.
Molecular consequence: frameshift variant.
Genome position (GRCh38, 1-based): chr5:34,954,612, T deleted; the last of 5 consecutive T bases (chr5:34,954,608-34,954,612); deleting any one gives the same sequence. VCF-style (leftmost placement, unchanged base first): chr5-34954607-CT-C. GRCh37 (hg19) VCF-style: chr5-34954712-CT-C.
Other names: c.1533del, p.Phe511fs (NM_001348420.2); c.1629del, p.Phe543fs (NM_194283.4); short protein forms F498fs, F511fs, F543fs.
Identifiers: ClinVar variation 1484614 (VCV001484614.4), dbSNP rs766713589, ClinGen allele CA3228875.
Genomic context (GRCh38, chr5:34,954,607, plus strand): 5'-TCTCAGAGTGTTCTTATCAGCTGTACAACCTGCCATAGTGAATTTCCATCTCGGAATAAA[CT>C]TTTTGACCATCTAAAGGCCACAGGTCATGCAAGAGCACCTTCATCATCGTCTTTAAACAG-3'

ClinVar aggregate classification (germline): Uncertain significance. Review status: criteria provided, multiple submitters, no conflicts (2 of 4 stars). 2 submissions from 2 submitters: Uncertain significance (2). Last evaluated 2022-08-03.

Submissions (2):

Labcorp Genetics (formerly Invitae), Labcorp
Classification: Uncertain significance. Last evaluated: 2022-08-03. Review status: criteria provided, single submitter. Criteria: Invitae Variant Classification Sherloc (09022015). Collection method: clinical testing. Allele origin: germline.
Comment: This sequence change creates a premature translational stop signal (p.Phe498Leufs*4) in the DNAJC21 gene. While this is not anticipated to result in nonsense mediated decay, it is expected to disrupt the last 34 amino acid(s) of the DNAJC21 protein. This variant is present in population databases (rs766713589, gnomAD 0.03%). This variant has not been reported in the literature in individuals affected with DNAJC21-related conditions. ClinVar contains an entry for this variant (Variation ID: 1484614). Experimental studies and prediction algorithms are not available or were not evaluated, and the functional significance of this variant is currently unknown. In summary, the available evidence is currently insufficient to determine the role of this variant in disease. Therefore, it has been classified as a Variant of Uncertain Significance.

Blueprint Genetics
Classification: Uncertain significance. Last evaluated: 2021-10-08. Review status: criteria provided, single submitter. Criteria: ACMG Guidelines, 2015. Collection method: clinical testing. Allele origin: germline.